The following is an entry in ClinVar:

NM_172364.5(CACNA2D4):c.2079C>A (p.Asp693Glu)

Gene: CACNA2D4 (calcium voltage-gated channel auxiliary subunit alpha2delta 4; minus strand). Cytogenetic location: 12p13.33.
Variant type: single nucleotide variant.
Coding change: c.2079C>A on transcript NM_172364.5 (MANE Select); coding-DNA position 2079, C replaced by A.
Protein change: p.Asp693Glu; replaces aspartic acid 693 with glutamic acid.
Molecular consequence: missense variant.
Genome position (GRCh38, 1-based): chr12:1,856,085, G>T on the plus strand (C>A on the coding strand, the complement: CACNA2D4 is on the minus strand). VCF-style: chr12-1856085-G-T. GRCh37 (hg19) VCF-style: chr12-1965251-G-T.
Other names: short protein forms D693E.
Identifiers: ClinVar variation 1917703 (VCV001917703.6), dbSNP rs934555504, ClinGen allele CA231533367.
Genomic context (GRCh38, chr12:1,856,085, plus strand): 5'-GTCCTTCCTGGTGAGGAAGCGGATCATGGCCTCTAGCTGGCTGAGCTTCCGGTGGTCTGG[G>T]TCAATATCTGTGATGCAGTAGATCCTGAAACCCAGGAAAGTCAGTGTTATCTCAAAACAT-3'
Protein context (NP_758952.4, residues 683-703): GDWIYCITDI[Asp693Glu]PDHRKLSQLE

ClinVar aggregate classification (germline): Uncertain significance. Review status: criteria provided, multiple submitters, no conflicts (2 of 4 stars). 2 submissions from 2 submitters: Uncertain significance (2). Last evaluated 2022-09-07.

Conditions:
Inborn genetic diseases. Identifiers: MedGen C0950123, MeSH D030342.

Allele frequency attached by ClinVar (database versions not stated): gnomAD exomes below 0.00001.
gnomAD v4.1: 2 of 1,614,008 alleles (0.00012%); highest among the groups gnomAD compares: East Asian, 0.0045%; no homozygotes.

Submissions (2):

Labcorp Genetics (formerly Invitae), Labcorp
Classification: Uncertain significance. Last evaluated: 2022-09-07. Review status: criteria provided, single submitter. Criteria: Invitae Variant Classification Sherloc (09022015). Collection method: clinical testing. Allele origin: germline.
Comment: Algorithms developed to predict the effect of missense changes on protein structure and function are either unavailable or do not agree on the potential impact of this missense change (SIFT: "Deleterious"; PolyPhen-2: "Benign"; Align-GVGD: "Class C0"). In summary, the available evidence is currently insufficient to determine the role of this variant in disease. Therefore, it has been classified as a Variant of Uncertain Significance. This variant has not been reported in the literature in individuals affected with CACNA2D4-related conditions. This variant is present in population databases (no rsID available, gnomAD 0.01%). This sequence change replaces aspartic acid, which is acidic and polar, with glutamic acid, which is acidic and polar, at codon 693 of the CACNA2D4 protein (p.Asp693Glu).

Ambry Genetics
Classification: Uncertain significance for Inborn genetic diseases. Last evaluated: 2021-06-22. Review status: criteria provided, single submitter. Criteria: Ambry Variant Classification Scheme 2023. Collection method: clinical testing. Allele origin: germline.